The following is an entry in ClinVar:

ClinVar aggregate classification (germline): Uncertain significance. Review status: criteria provided, multiple submitters, no conflicts (2 of 4 stars). 2 submissions from 2 submitters: Uncertain significance (2). Last evaluated 2025-10-06.

Allele frequency attached by ClinVar (database versions not stated): gnomAD 0.00001; gnomAD exomes 0.00001 and below 0.00001; TOPMed below 0.00001.
gnomAD v4.1: 11 of 1,614,024 alleles (0.00068%); highest among the groups gnomAD compares: Admixed American, 0.0017%; no homozygotes.

Submissions (2):

Labcorp Genetics (formerly Invitae), Labcorp
Classification: Uncertain significance. Last evaluated: 2025-10-06. Review status: criteria provided, single submitter. Criteria: Invitae Variant Classification Sherloc (09022015). Collection method: clinical testing. Allele origin: germline.
Comment: This sequence change replaces phenylalanine, which is neutral and non-polar, with isoleucine, which is neutral and non-polar, at codon 741 of the KMT2A protein (p.Phe741Ile). This variant is present in population databases (no rsID available, gnomAD 0.0009%). This variant has not been reported in the literature in individuals affected with KMT2A-related conditions. ClinVar contains an entry for this variant (Variation ID: 1476221). Invitae Evidence Modeling of protein sequence and biophysical properties (such as structural, functional, and spatial information, amino acid conservation, physicochemical variation, residue mobility, and thermodynamic stability) has been performed for this missense variant. However, the output from this modeling did not meet the statistical confidence thresholds required to predict the impact of this variant on KMT2A protein function. In summary, the available evidence is currently insufficient to determine the role of this variant in disease. Therefore, it has been classified as a Variant of Uncertain Significance.

CeGaT Center for Human Genetics Tuebingen
Classification: Uncertain significance. Last evaluated: 2025-03-01. Review status: criteria provided, single submitter. Criteria: CeGaT Center For Human Genetics Tuebingen Variant Classification Criteria Version 2. Collection method: clinical testing. Allele origin: germline. Affected: yes. Observed: 1 variant allele.

NM_001197104.2(KMT2A):c.2221T>A (p.Phe741Ile)

Gene: KMT2A (lysine methyltransferase 2A; plus strand). Cytogenetic location: 11q23.3.
Variant type: single nucleotide variant.
Coding change: c.2221T>A on transcript NM_001197104.2 (MANE Select); coding-DNA position 2221, T replaced by A.
Protein change: p.Phe741Ile; replaces phenylalanine 741 with isoleucine.
Molecular consequence: missense variant.
Genome position (GRCh38, 1-based): chr11:118,473,380, T>A. VCF-style: chr11-118473380-T-A. GRCh37 (hg19) VCF-style: chr11-118344095-T-A.
Other names: c.2221T>A, p.Phe741Ile (NM_005933.4); short protein forms F741I.
Identifiers: ClinVar variation 1476221 (VCV001476221.13), dbSNP rs1248979864, ClinGen allele CA382813663.
Genomic context (GRCh38, chr11:118,473,380, plus strand): 5'-CGAACTTCTGCTGGAACATCTTCTTCAGGAGTATCCAATAGAAAAAGGAAAAGAAAAGTG[T>A]TTAGTCCTATTCGATCTGAACCAAGATCTCCTTCTCACTCCATGAGGACAAGAAGTGGAA-3'
Protein context (NP_001184033.1, residues 731-751): VSNRKRKRKV[Phe741Ile]SPIRSEPRSP